The following is an entry in ClinVar:

NM_004425.4(ECM1):c.796C>T (p.Arg266Trp)

Gene: ECM1 (extracellular matrix protein 1; plus strand). Cytogenetic location: 1q21.2.
Variant type: single nucleotide variant.
Coding change: c.796C>T on transcript NM_004425.4 (MANE Select); coding-DNA position 796, C replaced by T.
Protein change: p.Arg266Trp; replaces arginine 266 with tryptophan.
Molecular consequence: missense variant. On other transcripts: intron variant (1).
Genome position (GRCh38, 1-based): chr1:150,511,544, C>T. VCF-style: chr1-150511544-C-T. GRCh37 (hg19) VCF-style: chr1-150484020-C-T.
Other names: c.877C>T, p.Arg293Trp (NM_001202858.2); c.708+346C>T (NM_022664.3); short protein forms R266W, R293W.
Identifiers: ClinVar variation 3034620 (VCV003034620.3), dbSNP rs200051260, ClinGen allele CA1077555.

ClinVar aggregate classification (germline): Uncertain significance. Review status: criteria provided, single submitter (1 of 4 stars). 2 submissions from 2 submitters: Uncertain significance (1). 1 of the submissions does not count toward it. Last evaluated 2025-12-04.

Conditions:
Inborn genetic diseases. Identifiers: MedGen C0950123, MeSH D030342.
ECM1-related disorder. Also called: ECM1-related condition.

Allele frequency attached by ClinVar (database versions not stated): ESP Exome Variant Server 0.00008; 1000 Genomes Project 30x 0.00016; TOPMed 0.00004; gnomAD 0.00006; ExAC 0.00022; 1000 Genomes Project 0.00020; gnomAD exomes 0.00005.

Submissions (2):

Ambry Genetics
Classification: Uncertain significance for Inborn genetic diseases. Last evaluated: 2025-12-04. Review status: criteria provided, single submitter. Criteria: Ambry Variant Classification Scheme 2023. Collection method: clinical testing. Allele origin: germline.

PreventionGenetics, part of Exact Sciences
Classification: Likely benign for ECM1-related condition. Last evaluated: 2019-08-01. Review status: no assertion criteria provided. Collection method: clinical testing. Allele origin: germline. Not counted in ClinVar's aggregate classification.
Comment: This variant is classified as likely benign based on ACMG/AMP sequence variant interpretation guidelines (Richards et al. 2015 PMID: 25741868, with internal and published modifications).